The following is an entry in ClinVar:

NM_001127222.2(CACNA1A):c.3693-4A>G

Gene: CACNA1A (calcium voltage-gated channel subunit alpha1 A; minus strand). Cytogenetic location: 19p13.13.
Variant type: single nucleotide variant.
Coding change: c.3693-4A>G on transcript NM_001127222.2 (MANE Select); 4 bases into the intron before coding-DNA position 3693, A replaced by G.
Molecular consequence: intron variant.
Genome position (GRCh38, 1-based): chr19:13,283,400, T>C on the plus strand (A>G on the coding strand, the complement: CACNA1A is on the minus strand). VCF-style: chr19-13283400-T-C. GRCh37 (hg19) VCF-style: chr19-13394214-T-C.
Other names: c.3696-4A>G (NM_001127221.2, NM_001174080.2); c.3705-4A>G (NM_000068.4, NM_023035.3).
Identifiers: ClinVar variation 2929563 (VCV002929563.3), dbSNP rs1395437768, ClinGen allele CA631866403.

ClinVar aggregate classification (germline): Uncertain significance (1 of 4 stars; one submission).

Conditions:
Developmental and epileptic encephalopathy, 42 (DEE42A). Also called: DEVELOPMENTAL AND EPILEPTIC ENCEPHALOPATHY 42A; EPILEPTIC ENCEPHALOPATHY, EARLY INFANTILE, 42A; Epileptic encephalopathy, early infantile, 42. Identifiers: MedGen C4310716, MONDO:0014917, OMIM 617106.
Episodic ataxia type 2 (EA2). Also called: ACETAZOLAMIDE-RESPONSIVE HEREDITARY PAROXYSMAL CEREBELLAR ATAXIA; ATAXIA, EPISODIC, WITH NYSTAGMUS; ATAXIA, FAMILIAL PAROXYSMAL; CEREBELLAR ATAXIA, PAROXYSMAL, ACETAZOLAMIDE-RESPONSIVE; CEREBELLOPATHY, HEREDITARY PAROXYSMAL; EPISODIC ATAXIA, NYSTAGMUS-ASSOCIATED. Identifiers: Orphanet 97, MedGen C1720416, MONDO:0007163, OMIM 108500.

Allele frequency attached by ClinVar (database versions not stated): TOPMed 0.00001.
gnomAD v4.1: 1 of 1,613,872 alleles (0.000062%); highest among the groups gnomAD compares: Non-Finnish European, 0.000085%; no homozygotes.

Submission:

Labcorp Genetics (formerly Invitae), Labcorp
Classification: Uncertain significance for Developmental and epileptic encephalopathy, 42; Episodic ataxia type 2. Last evaluated: 2023-01-28. Review status: criteria provided, single submitter. Criteria: Invitae Variant Classification Sherloc (09022015). Collection method: clinical testing. Allele origin: germline.
Comment: In summary, the available evidence is currently insufficient to determine the role of this variant in disease. Therefore, it has been classified as a Variant of Uncertain Significance. Algorithms developed to predict the effect of sequence changes on RNA splicing suggest that this variant may create or strengthen a splice site. This variant has not been reported in the literature in individuals affected with CACNA1A-related conditions. This variant is present in population databases (no rsID available, gnomAD 0.0009%). This sequence change falls in intron 21 of the CACNA1A gene. It does not directly change the encoded amino acid sequence of the CACNA1A protein.